The following is an entry in ClinVar:

ClinVar aggregate classification (germline): Conflicting classifications of pathogenicity. Review status: criteria provided, conflicting classifications (1 of 4 stars). 3 submissions from 3 submitters: Uncertain significance (2); Likely benign (1). Last evaluated 2025-11-01.

Conditions:
Inborn genetic diseases. Identifiers: MedGen C0950123, MeSH D030342.
BNAR syndrome. Also called: Bifid Nose With or Without Anorectal and Renal Anomalies (BNAR) Syndrome. Identifiers: Orphanet 217266, MedGen C2750433, MONDO:0012165, OMIM 608980.
Oculotrichoanal syndrome (MOTA). Also called: MARLES SYNDROME; Manitoba Oculotrichoanal (MOTA) Syndrome. Identifiers: Orphanet 2717, MedGen C1855425, MONDO:0009560, OMIM 248450.
Trigonocephaly 2 (TRIGNO2). Identifiers: Orphanet 3366, MedGen C3280974, MONDO:0013774, OMIM 614485.

gnomAD v4.1: 29 of 1,604,336 alleles (0.0018%); highest among the groups gnomAD compares: South Asian, 0.019%; 1 homozygote.

Submissions (3):

CeGaT Center for Human Genetics Tuebingen
Classification: Likely benign. Last evaluated: 2025-11-01. Review status: criteria provided, single submitter. Criteria: CeGaT Center For Human Genetics Tuebingen Variant Classification Criteria Version 2. Collection method: clinical testing. Allele origin: germline. Affected: yes. Observed: 1 variant allele.
Comment: FREM1: BP4

Ambry Genetics
Classification: Uncertain significance for Inborn genetic diseases. Last evaluated: 2024-05-20. Review status: criteria provided, single submitter. Criteria: Ambry Variant Classification Scheme 2023. Collection method: clinical testing. Allele origin: germline.

Fulgent Genetics
Classification: Uncertain significance for Oculotrichoanal syndrome; BNAR syndrome; Trigonocephaly 2. Last evaluated: 2024-01-30. Review status: criteria provided, single submitter. Criteria: ACMG Guidelines, 2015. Collection method: clinical testing. Allele origin: germline.

NM_001379081.2(FREM1):c.595C>T (p.Arg199Cys)

Gene: FREM1 (FRAS1 related extracellular matrix 1; minus strand). Cytogenetic location: 9p22.3.
Variant type: single nucleotide variant.
Coding change: c.595C>T on transcript NM_001379081.2 (MANE Select); coding-DNA position 595, C replaced by T.
Protein change: p.Arg199Cys; replaces arginine 199 with cysteine.
Molecular consequence: missense variant. On other transcripts: non-coding transcript variant (4).
Genome position (GRCh38, 1-based): chr9:14,859,219, G>A on the plus strand (C>T on the coding strand, the complement: FREM1 is on the minus strand). VCF-style: chr9-14859219-G-A. GRCh37 (hg19) VCF-style: chr9-14859217-G-A.
Other names: c.595C>T, p.Arg199Cys (NM_001370060.1, NM_001370063.1, NM_001370065.1 and 1 more transcripts); short protein forms R199C.
Identifiers: ClinVar variation 3279791 (VCV003279791.8).